The following is an entry in ClinVar:

NM_001367943.1(TCF7L2):c.316A>T (p.Ile106Phe)

Gene: TCF7L2 (transcription factor 7 like 2; plus strand). Cytogenetic location: 10q25.2.
Variant type: single nucleotide variant.
Coding change: c.316A>T on transcript NM_001367943.1 (MANE Select); coding-DNA position 316, A replaced by T.
Protein change: p.Ile106Phe; replaces isoleucine 106 with phenylalanine.
Molecular consequence: missense variant.
Genome position (GRCh38, 1-based): chr10:112,951,542, A>T. VCF-style: chr10-112951542-A-T. GRCh37 (hg19) VCF-style: chr10-114711301-A-T.
Other names: c.316A>T, p.Ile106Phe (NM_001146274.2, NM_001146283.2, NM_001146284.2 and 11 more transcripts); short protein forms I106F.
Identifiers: ClinVar variation 3602433 (VCV003602433.1).
Genomic context (GRCh38, chr10:112,951,542, plus strand): 5'-GCGGCCAAGAGGCAAGATGGAGGGCTCTTTAAGGGGCCACCGTATCCCGGCTACCCCTTC[A>T]TCATGATCCCCGACCTGACGAGCCCCTACCTCCCCAACGGATCGCTCTCGCCCACCGCCC-3'
Protein context (NP_001354872.1, residues 96-116): KGPPYPGYPF[Ile106Phe]MIPDLTSPYL

ClinVar aggregate classification (germline): Uncertain significance (1 of 4 stars; one submission).

gnomAD v4.1: 2 of 1,421,542 alleles (0.00014%); highest among the groups gnomAD compares: Non-Finnish European, 0.00019%; no homozygotes.

Submission:

GeneDx
Classification: Uncertain significance. Last evaluated: 2024-07-31. Review status: criteria provided, single submitter. Criteria: GeneDx Variant Classification Process June 2021. Collection method: clinical testing. Allele origin: germline. Affected: yes.
Comment: Not observed at significant frequency in large population cohorts (gnomAD); In silico analysis indicates that this missense variant does not alter protein structure/function; Has not been previously published as pathogenic or benign to our knowledge